The following is an entry in ClinVar:

ClinVar aggregate classification (germline): Uncertain significance (1 of 4 stars; one submission).

Allele frequency attached by ClinVar (database versions not stated): gnomAD exomes 0.00001; gnomAD 0.00001; ExAC 0.00002.

Submission:

Labcorp Genetics (formerly Invitae), Labcorp
Classification: Uncertain significance. Last evaluated: 2025-08-12. Review status: criteria provided, single submitter. Criteria: Invitae Variant Classification Sherloc (09022015). Collection method: clinical testing. Allele origin: germline.
Comment: This sequence change replaces aspartic acid, which is acidic and polar, with asparagine, which is neutral and polar, at codon 263 of the POLD2 protein (p.Asp263Asn). This variant is present in population databases (rs779857096, gnomAD 0.002%). This variant has not been reported in the literature in individuals affected with POLD2-related conditions. ClinVar contains an entry for this variant (Variation ID: 2816395). Experimental studies and prediction algorithms are not available or were not evaluated, and the functional significance of this variant is currently unknown. In summary, the available evidence is currently insufficient to determine the role of this variant in disease. Therefore, it has been classified as a Variant of Uncertain Significance.

NM_006230.4(POLD2):c.682G>A (p.Asp228Asn)

Gene: POLD2 (DNA polymerase delta 2, accessory subunit; minus strand). Cytogenetic location: 7p13.
Variant type: single nucleotide variant.
Coding change: c.682G>A on transcript NM_006230.4 (MANE Select); coding-DNA position 682, G replaced by A.
Protein change: p.Asp228Asn; replaces aspartic acid 228 with asparagine.
Molecular consequence: missense variant.
Genome position (GRCh38, 1-based): chr7:44,116,915, C>T on the plus strand (G>A on the coding strand, the complement: POLD2 is on the minus strand). VCF-style: chr7-44116915-C-T. GRCh37 (hg19) VCF-style: chr7-44156514-C-T.
Other names: c.682G>A, p.Asp228Asn (NM_001127218.3, NM_001256879.2); short protein forms D228N.
Identifiers: ClinVar variation 2816395 (VCV002816395.3), dbSNP rs779857096, ClinGen allele CA4238767.